The following is an entry in ClinVar:

ClinVar aggregate classification (germline): Conflicting classifications of pathogenicity. Review status: criteria provided, conflicting classifications (1 of 4 stars). 3 submissions from 3 submitters: Uncertain significance (2); Likely benign (1). Last evaluated 2025-10-07.

Conditions:
Hereditary cancer-predisposing syndrome. Also called: Neoplastic Syndromes, Hereditary; Hereditary neoplastic syndrome; Hereditary Cancer Syndrome; Tumor predisposition. Identifiers: Orphanet 140162, MedGen C0027672, MeSH D009386, MONDO:0015356.
Polyps, multiple and recurrent inflammatory fibroid, gastrointestinal. Identifiers: MedGen C5193005, MONDO:0008285, OMIM 175510.
Gastrointestinal stromal tumor. Also called: Gastrointestinal stromal tumor, somatic; Gastrointestinal stroma tumor. Identifiers: Orphanet 44890, MedGen C0238198, MeSH D046152, MONDO:0011719, OMIM 606764, HP:0100723.

gnomAD v4.1: 6 of 1,613,960 alleles (0.00037%); highest among the groups gnomAD compares: African/African-American, 0.0027%; no homozygotes.

Submissions (3):

Labcorp Genetics (formerly Invitae), Labcorp
Classification: Uncertain significance for Gastrointestinal stromal tumor. Last evaluated: 2025-10-07. Review status: criteria provided, single submitter. Criteria: Invitae Variant Classification Sherloc (09022015). Collection method: clinical testing. Allele origin: germline.
Comment: This sequence change replaces threonine, which is neutral and polar, with isoleucine, which is neutral and non-polar, at codon 428 of the PDGFRA protein (p.Thr428Ile). This variant is not present in population databases (gnomAD no frequency). This variant has not been reported in the literature in individuals affected with PDGFRA-related conditions. ClinVar contains an entry for this variant (Variation ID: 240301). An algorithm developed to predict the effect of missense changes on protein structure and function (PolyPhen-2) suggests that this variant is likely to be tolerated. In summary, the available evidence is currently insufficient to determine the role of this variant in disease. Therefore, it has been classified as a Variant of Uncertain Significance.

Ambry Genetics
Classification: Likely benign for Hereditary cancer-predisposing syndrome. Last evaluated: 2024-03-28. Review status: criteria provided, single submitter. Criteria: Ambry Variant Classification Scheme 2023. Collection method: clinical testing. Allele origin: germline.

Baylor Genetics
Classification: Uncertain significance for Polyps, multiple and recurrent inflammatory fibroid, gastrointestinal. Last evaluated: 2023-10-01. Review status: criteria provided, single submitter. Criteria: ACMG Guidelines, 2015. Collection method: clinical testing. Allele origin: unknown.

NM_006206.6(PDGFRA):c.1283C>T (p.Thr428Ile)

Gene: PDGFRA (platelet derived growth factor receptor alpha; plus strand). Cytogenetic location: 4q12.
Variant type: single nucleotide variant.
Coding change: c.1283C>T on transcript NM_006206.6 (MANE Select); coding-DNA position 1283, C replaced by T.
Protein change: p.Thr428Ile; replaces threonine 428 with isoleucine.
Molecular consequence: missense variant.
Genome position (GRCh38, 1-based): chr4:54,272,439, C>T. VCF-style: chr4-54272439-C-T. GRCh37 (hg19) VCF-style: chr4-55138606-C-T.
Other names: c.1283C>T, p.Thr428Ile (NM_001347827.2, NM_001347829.2); c.1358C>T, p.Thr453Ile (NM_001347828.2); c.1322C>T, p.Thr441Ile (NM_001347830.2); short protein forms T428I, T441I, T453I.
Identifiers: ClinVar variation 240301 (VCV000240301.12), dbSNP rs762651640, ClinGen allele CA10582243.
Genomic context (GRCh38, chr4:54,272,439, plus strand): 5'-TTCTGCCTCTTGCAGTTCCTTCATCCATTCTGGACTTGGTCGATGATCACCATGGCTCAA[C>T]TGGGGGACAGACGGTGAGGTGCACAGCTGAAGGCACGCCGCTTCCTGATATTGAGTGGAT-3'
Protein context (NP_006197.1, residues 418-438): LDLVDDHHGS[Thr428Ile]GGQTVRCTAE